The following is an entry in ClinVar:

ClinVar aggregate classification (germline): Conflicting classifications of pathogenicity. Review status: criteria provided, conflicting classifications (1 of 4 stars). 4 submissions from 4 submitters: Uncertain significance (3); Likely benign (1). Last evaluated 2025-08-31.

Conditions:
Inborn genetic diseases. Identifiers: MedGen C0950123, MeSH D030342.
Charcot-Marie-Tooth disease type 4. Also called: Charcot-Marie-Tooth, Type 4; Charcot-Marie-Tooth disease, type IV. Identifiers: Orphanet 64749, MedGen C4082197, MONDO:0018995.

Allele frequency attached by ClinVar (database versions not stated): gnomAD exomes 0.00003 and 0.00013; ExAC 0.00016; ESP Exome Variant Server 0.00023; gnomAD 0.00033 and 0.00036; TOPMed 0.00047; 1000 Genomes Project 0.00060; 1000 Genomes Project 30x 0.00062.
gnomAD v4.1: 110 of 1,614,132 alleles (0.0068%); highest among the groups gnomAD compares: African/African-American, 0.11%; no homozygotes.

Submissions (4):

Labcorp Genetics (formerly Invitae), Labcorp
Classification: Likely benign for Charcot-Marie-Tooth disease type 4. Last evaluated: 2025-08-31. Review status: criteria provided, single submitter. Criteria: Invitae Variant Classification Sherloc (09022015). Collection method: clinical testing. Allele origin: germline.

Ambry Genetics
Classification: Uncertain significance for Inborn genetic diseases. Last evaluated: 2025-08-06. Review status: criteria provided, single submitter. Criteria: Ambry Variant Classification Scheme 2023. Collection method: clinical testing. Allele origin: germline.
Comment: The c.2743A>T (p.T915S) alteration is located in exon 11 (coding exon 11) of the SH3TC2 gene. This alteration results from a A to T substitution at nucleotide position 2743, causing the threonine (T) at amino acid position 915 to be replaced by a serine (S). Based on data from gnomAD, the T allele has an overall frequency of 0.02% (44/282702) total alleles studied. The highest observed frequency was 0.12% (29/24958) of African alleles. This amino acid position is not well conserved in available vertebrate species. This alteration is predicted to be tolerated by in silico analysis. Based on insufficient or conflicting evidence, the clinical significance of this alteration remains unclear.

Mayo Clinic Laboratories, Mayo Clinic
Classification: Uncertain significance. Last evaluated: 2021-04-02. Review status: criteria provided, single submitter. Criteria: ACMG Guidelines, 2015. Collection method: clinical testing. Allele origin: germline.

Athena Diagnostics
Classification: Uncertain significance. Last evaluated: 2019-10-29. Review status: criteria provided, single submitter. Criteria: Athena Diagnostics Criteria. Collection method: clinical testing. Allele origin: unknown.

NM_024577.4(SH3TC2):c.2743A>T (p.Thr915Ser)

Gene: SH3TC2 (SH3 domain and tetratricopeptide repeats 2; minus strand). Cytogenetic location: 5q32.
Variant type: single nucleotide variant.
Coding change: c.2743A>T on transcript NM_024577.4 (MANE Select); coding-DNA position 2743, A replaced by T.
Protein change: p.Thr915Ser; replaces threonine 915 with serine.
Molecular consequence: missense variant.
Genome position (GRCh38, 1-based): chr5:149,026,989, T>A on the plus strand (A>T on the coding strand, the complement: SH3TC2 is on the minus strand). VCF-style: chr5-149026989-T-A. GRCh37 (hg19) VCF-style: chr5-148406552-T-A.
Other names: p.Thr915Ser; short protein forms T915S.
Identifiers: ClinVar variation 833911 (VCV000833911.16), dbSNP rs141783628, ClinGen allele CA3498937.